The following is an entry in ClinVar:

NM_000170.3(GLDC):c.528A>C (p.Leu176Phe)

Gene: GLDC (glycine decarboxylase; minus strand). Cytogenetic location: 9p24.1.
Variant type: single nucleotide variant.
Coding change: c.528A>C on transcript NM_000170.3 (MANE Select); coding-DNA position 528, A replaced by C.
Protein change: p.Leu176Phe; replaces leucine 176 with phenylalanine.
Molecular consequence: missense variant.
Genome position (GRCh38, 1-based): chr9:6,610,299, T>G on the plus strand (A>C on the coding strand, the complement: GLDC is on the minus strand). VCF-style: chr9-6610299-T-G. GRCh37 (hg19) VCF-style: chr9-6610299-T-G.
Other names: short protein forms L176F.
Identifiers: ClinVar variation 1388595 (VCV001388595.6), dbSNP rs757566503, ClinGen allele CA4981100.
Genomic context (GRCh38, chr9:6,610,299, plus strand): 5'-CAGGGATGCATTGGCCATGTCCAGGCCTGTGATGTCACACACCATGGTCTGGTAGTTGAG[T>G]AAACTCTCCAGCCTCCCCTGAGACACCTCAGGCTGGTATGGAGTATACTGGGTGATCCTG-3'
Protein context (NP_000161.2, residues 166-186): PEVSQGRLES[Leu176Phe]LNYQTMVCDI

ClinVar aggregate classification (germline): Uncertain significance. Review status: criteria provided, multiple submitters, no conflicts (2 of 4 stars). 2 submissions from 2 submitters: Uncertain significance (2). Last evaluated 2022-10-13.

Conditions:
Glycine encephalopathy. Also called: Non-ketotic hyperglycinemia; Nonketotic hyperglycinemia. Identifiers: Orphanet 407, MedGen C0751748, MONDO:0011612, HP:0008288.

Allele frequency attached by ClinVar (database versions not stated): gnomAD 0.00001; gnomAD exomes 0.00001; ExAC 0.00002.
gnomAD v4.1: 12 of 1,613,600 alleles (0.00074%); highest among the groups gnomAD compares: Non-Finnish European, 0.001%; no homozygotes.

Submissions (2):

Labcorp Genetics (formerly Invitae), Labcorp
Classification: Uncertain significance for Glycine encephalopathy. Last evaluated: 2022-10-13. Review status: criteria provided, single submitter. Criteria: Invitae Variant Classification Sherloc (09022015). Collection method: clinical testing. Allele origin: germline.
Comment: This sequence change replaces leucine, which is neutral and non-polar, with phenylalanine, which is neutral and non-polar, at codon 176 of the GLDC protein (p.Leu176Phe). This variant is present in population databases (rs757566503, gnomAD 0.003%). This variant has not been reported in the literature in individuals affected with GLDC-related conditions. ClinVar contains an entry for this variant (Variation ID: 1388595). Advanced modeling of protein sequence and biophysical properties (such as structural, functional, and spatial information, amino acid conservation, physicochemical variation, residue mobility, and thermodynamic stability) performed at Invitae indicates that this missense variant is expected to disrupt GLDC protein function. In summary, the available evidence is currently insufficient to determine the role of this variant in disease. Therefore, it has been classified as a Variant of Uncertain Significance.

Blueprint Genetics
Classification: Uncertain significance. Last evaluated: 2021-06-04. Review status: criteria provided, single submitter. Criteria: ACMG Guidelines, 2015. Collection method: clinical testing. Allele origin: germline.